The following is an entry in ClinVar:

NM_001142800.2(EYS):c.5861C>T (p.Ala1954Val)

Gene: EYS (EGF-like photoreceptor maintenance factor; minus strand). Cytogenetic location: 6q12.
Variant type: single nucleotide variant.
Coding change: c.5861C>T on transcript NM_001142800.2 (MANE Select); coding-DNA position 5861, C replaced by T.
Protein change: p.Ala1954Val; replaces alanine 1954 with valine.
Molecular consequence: missense variant.
Genome position (GRCh38, 1-based): chr6:64,436,240, G>A on the plus strand (C>T on the coding strand, the complement: EYS is on the minus strand). VCF-style: chr6-64436240-G-A. GRCh37 (hg19) VCF-style: chr6-65146133-G-A.
Other names: c.5861C>T, p.Ala1954Val (NM_001292009.2); short protein forms A1954V.
Identifiers: ClinVar variation 863447 (VCV000863447.9), dbSNP rs1774743043, ClinGen allele CA364392418.
Genomic context (GRCh38, chr6:64,436,240, plus strand): 5'-AGCAGTGTATACTTTTGCCCGTTGTCCACTCTAACAGTAGTATTAATGCTTTTAAATTTT[G>A]CTTCACCAGGACAGTAAAAGTGGTACTGTTGGGGGAAAAAATTTTGTCCTCAAACAGTTT-3'
Protein context (NP_001136272.1, residues 1944-1964): LKYHFYCPGE[Ala1954Val]KFKSINTTVR

ClinVar aggregate classification (germline): Uncertain significance (1 of 4 stars; one submission).

Submission:

Labcorp Genetics (formerly Invitae), Labcorp
Classification: Uncertain significance. Last evaluated: 2023-10-03. Review status: criteria provided, single submitter. Criteria: Invitae Variant Classification Sherloc (09022015). Collection method: clinical testing. Allele origin: germline.
Comment: This sequence change replaces alanine, which is neutral and non-polar, with valine, which is neutral and non-polar, at codon 1954 of the EYS protein (p.Ala1954Val). This variant is not present in population databases (gnomAD no frequency). This variant has not been reported in the literature in individuals affected with EYS-related conditions. ClinVar contains an entry for this variant (Variation ID: 863447). Advanced modeling of protein sequence and biophysical properties (such as structural, functional, and spatial information, amino acid conservation, physicochemical variation, residue mobility, and thermodynamic stability) has been performed at Invitae for this missense variant, however the output from this modeling did not meet the statistical confidence thresholds required to predict the impact of this variant on EYS protein function. In summary, the available evidence is currently insufficient to determine the role of this variant in disease. Therefore, it has been classified as a Variant of Uncertain Significance.